The following is an entry in ClinVar:

NM_005475.3(SH2B3):c.257G>T (p.Gly86Val)

Gene: SH2B3 (SH2B adaptor protein 3; plus strand). Cytogenetic location: 12q24.12.
Variant type: single nucleotide variant.
Coding change: c.257G>T on transcript NM_005475.3 (MANE Select); coding-DNA position 257, G replaced by T.
Protein change: p.Gly86Val; replaces glycine 86 with valine.
Molecular consequence: missense variant.
Genome position (GRCh38, 1-based): chr12:111,418,402, G>T. VCF-style: chr12-111418402-G-T. GRCh37 (hg19) VCF-style: chr12-111856206-G-T.
Other names: short protein forms G86V.
Identifiers: ClinVar variation 3953435 (VCV003953435.1).

ClinVar aggregate classification (germline): Uncertain significance (1 of 4 stars; one submission).

Conditions:
Inborn genetic diseases. Identifiers: MedGen C0950123, MeSH D030342.

Submission:

Ambry Genetics
Classification: Uncertain significance for Inborn genetic diseases. Last evaluated: 2025-04-10. Review status: criteria provided, single submitter. Criteria: Ambry Variant Classification Scheme 2023. Collection method: clinical testing. Allele origin: germline.
Comment: The p.G86V variant (also known as c.257G>T), located in coding exon 1 of the SH2B3 gene, results from a G to T substitution at nucleotide position 257. The glycine at codon 86 is replaced by valine, an amino acid with dissimilar properties. This amino acid position is conserved. In addition, this alteration is predicted to be tolerated by in silico analysis. Based on the available evidence, the clinical significance of this variant remains unclear.